The following is an entry in ClinVar:

ClinVar aggregate classification (germline): Uncertain significance (1 of 4 stars; one submission).

Submission:

Labcorp Genetics (formerly Invitae), Labcorp
Classification: Uncertain significance. Last evaluated: 2025-12-15. Review status: criteria provided, single submitter. Criteria: Invitae Variant Classification Sherloc (09022015). Collection method: clinical testing. Allele origin: germline.
Comment: This sequence change falls in intron 7 of the SAMD11 gene. It does not directly change the encoded amino acid sequence of the SAMD11 protein. It affects a nucleotide within the consensus splice site. This variant is not present in population databases (gnomAD no frequency). This variant has not been reported in the literature in individuals affected with SAMD11-related conditions. Variants that disrupt the consensus splice site are a relatively common cause of aberrant splicing (PMID: 17576681, 9536098). In summary, the available evidence is currently insufficient to determine the role of this variant in disease. Therefore, it has been classified as a Variant of Uncertain Significance.

Literature cited by the submitters: PubMed 17576681; PubMed 9536098.

NM_001385641.1(SAMD11):c.1195+96_1195+97insGGTGAGGACCCACCCTGGCATGATCTCCCCTCATCACCTCCCCAGCCACGGTGAGGACCCACCCTGGCATGATCTCCCCTCATCACCTCCCCAGCCAC

Gene: SAMD11 (sterile alpha motif domain containing 11; plus strand). Cytogenetic location: 1p36.33.
Variant type: Microsatellite.
Coding change: c.1195+96_1195+97insGGTGAGGACCCACCCTGGCATGATCTCCCCTCATCACCTCCCCAGCCACGGTGAGGACCCACCCTGGCATGATCTCCCCTCATCACCTCCCCAGCCAC on transcript NM_001385641.1 (MANE Select); bases 96 to 97 of the intron after coding-DNA position 1195, GGTGAGGACCCACCCTGGCATGATCTCCCCTCATCACCTCCCCAGCCACGGTGAGGACCCACCCTGGCATGATCTCCCCTCATCACCTCCCCAGCCAC inserted.
Molecular consequence: intron variant. On other transcripts: splice donor variant (1).
Genome position: GRCh38, VCF-style position (the base before the change): chr1:939,436. GRCh37 (hg19), VCF-style position (the base before the change): chr1:874,816.
Other names: c.1198+96_1198+97insGGTGAGGACCCACCCTGGCATGATCTCCCCTCATCACCTCCCCAGCCACGGTGAGGACCCACCCTGGCATGATCTCCCCTCATCACCTCCCCAGCCAC (NM_001385640.1); c.706+48_706+49insGGTGAGGACCCACCCTGGCATGATCTCCCCTCATCACCTCCCCAGCCACGGTGAGGACCCACCCTGGCATGATCTCCCCTCATCACCTCCCCAGCCAC (NM_152486.4).
Identifiers: ClinVar variation 1462272 (VCV001462272.8), dbSNP rs745625383, ClinGen allele CA2580611493.